The following is an entry in ClinVar:

NM_004656.4(BAP1):c.1924G>A (p.Glu642Lys)

Gene: BAP1 (BRCA1 associated deubiquitinase 1; minus strand). Cytogenetic location: 3p21.1.
Variant type: single nucleotide variant.
Coding change: c.1924G>A on transcript NM_004656.4 (MANE Select); coding-DNA position 1924, G replaced by A.
Protein change: p.Glu642Lys; replaces glutamic acid 642 with lysine.
Molecular consequence: missense variant.
Genome position (GRCh38, 1-based): chr3:52,402,838, C>T on the plus strand (G>A on the coding strand, the complement: BAP1 is on the minus strand). VCF-style: chr3-52402838-C-T. GRCh37 (hg19) VCF-style: chr3-52436854-C-T.
Other names: c.1870G>A, p.Glu624Lys (NM_001410772.1); short protein forms E624K, E642K.
Identifiers: ClinVar variation 2450440 (VCV002450440.2), dbSNP rs2153226320, ClinGen allele CA353096757.

ClinVar aggregate classification (germline): Uncertain significance (1 of 4 stars; one submission).

Conditions:
Hereditary cancer-predisposing syndrome. Also called: Neoplastic Syndromes, Hereditary; Tumor predisposition; Hereditary neoplastic syndrome; Hereditary Cancer Syndrome. Identifiers: Orphanet 140162, MedGen C0027672, MeSH D009386, MONDO:0015356.

Allele frequency attached by ClinVar (database versions not stated): gnomAD exomes below 0.00001.
gnomAD v4.1: 1 of 1,614,232 alleles (0.000062%); highest among the groups gnomAD compares: Non-Finnish European, 0.000085%; no homozygotes.

Submission:

Ambry Genetics
Classification: Uncertain significance for Hereditary cancer-predisposing syndrome. Last evaluated: 2023-02-10. Review status: criteria provided, single submitter. Criteria: Ambry Variant Classification Scheme 2023. Collection method: clinical testing. Allele origin: germline.
Comment: The p.E642K variant (also known as c.1924G>A), located in coding exon 15 of the BAP1 gene, results from a G to A substitution at nucleotide position 1924. The glutamic acid at codon 642 is replaced by lysine, an amino acid with similar properties. This amino acid position is conserved. In addition, the in silico prediction for this alteration is inconclusive. Since supporting evidence is limited at this time, the clinical significance of this alteration remains unclear.